The following is an entry in ClinVar:

NM_183075.3(CYP2U1):c.206T>C (p.Val69Ala)

Genes: CYP2U1 (cytochrome P450 family 2 subfamily U member 1; plus strand), CYP2U1-AS1 (CYP2U1 and SGMS2 antisense RNA 1; minus strand). Cytogenetic location: 4q25.
Variant type: single nucleotide variant.
Coding change: c.206T>C on transcript NM_183075.3 (MANE Select); coding-DNA position 206, T replaced by C.
Protein change: p.Val69Ala; replaces valine 69 with alanine.
Molecular consequence: missense variant.
Genome position (GRCh38, 1-based): chr4:107,931,849, T>C. VCF-style: chr4-107931849-T-C. GRCh37 (hg19) VCF-style: chr4-108853005-T-C.
Other names: p.Val69Ala; short protein forms V69A.
Identifiers: ClinVar variation 1040765 (VCV001040765.10), dbSNP rs1467659782, ClinGen allele CA357831936.

ClinVar aggregate classification (germline): Uncertain significance. Review status: criteria provided, multiple submitters, no conflicts (2 of 4 stars). 3 submissions from 3 submitters: Uncertain significance (3). Last evaluated 2023-12-14.

Conditions:
Spastic paraplegia. Identifiers: MedGen C0037772, HP:0001258.
Inborn genetic diseases. Identifiers: MedGen C0950123, MeSH D030342.

Allele frequency attached by ClinVar (database versions not stated): gnomAD 0.00001.
gnomAD v4.1: 2 of 1,543,260 alleles (0.00013%); highest among the groups gnomAD compares: Non-Finnish European, 0.00017%; no homozygotes.

Submissions (3):

Ambry Genetics
Classification: Uncertain significance for Inborn genetic diseases. Last evaluated: 2023-12-14. Review status: criteria provided, single submitter. Criteria: Ambry Variant Classification Scheme 2023. Collection method: clinical testing. Allele origin: germline.

Labcorp Genetics (formerly Invitae), Labcorp
Classification: Uncertain significance for Spastic paraplegia. Last evaluated: 2022-01-06. Review status: criteria provided, single submitter. Criteria: Invitae Variant Classification Sherloc (09022015). Collection method: clinical testing. Allele origin: germline.
Comment: In summary, the available evidence is currently insufficient to determine the role of this variant in disease. Therefore, it has been classified as a Variant of Uncertain Significance. Advanced modeling of protein sequence and biophysical properties (such as structural, functional, and spatial information, amino acid conservation, physicochemical variation, residue mobility, and thermodynamic stability) performed at Invitae indicates that this missense variant is not expected to disrupt CYP2U1 protein function. ClinVar contains an entry for this variant (Variation ID: 1040765). This variant has not been reported in the literature in individuals affected with CYP2U1-related conditions. This variant is present in population databases (no rsID available, gnomAD 0.007%). This sequence change replaces valine, which is neutral and non-polar, with alanine, which is neutral and non-polar, at codon 69 of the CYP2U1 protein (p.Val69Ala).

Mayo Clinic Laboratories, Mayo Clinic
Classification: Uncertain significance. Last evaluated: 2021-11-19. Review status: criteria provided, single submitter. Criteria: ACMG Guidelines, 2015. Collection method: clinical testing. Allele origin: germline.